The following is an entry in ClinVar:

NM_000384.3(APOB):c.701C>A (p.Pro234His)

Gene: APOB (apolipoprotein B; minus strand). Cytogenetic location: 2p24.1.
Variant type: single nucleotide variant.
Coding change: c.701C>A on transcript NM_000384.3 (MANE Select); coding-DNA position 701, C replaced by A.
Protein change: p.Pro234His; replaces proline 234 with histidine.
Molecular consequence: missense variant.
Genome position (GRCh38, 1-based): chr2:21,035,701, G>T on the plus strand (C>A on the coding strand, the complement: APOB is on the minus strand). VCF-style: chr2-21035701-G-T. GRCh37 (hg19) VCF-style: chr2-21258573-G-T.
Other names: short protein forms P234H.
Identifiers: ClinVar variation 3231443 (VCV003231443.1), dbSNP rs200353509, ClinGen allele CA345961262.

ClinVar aggregate classification (germline): Uncertain significance (1 of 4 stars; one submission).

Conditions:
Cardiovascular phenotype. Identifiers: MedGen CN230736.

Allele frequency attached by ClinVar (database versions not stated): gnomAD 0.00001.
gnomAD v4.1: 2 of 1,613,938 alleles (0.00012%); highest among the groups gnomAD compares: African/African-American, 0.0027%; no homozygotes.

Submission:

Ambry Genetics
Classification: Uncertain significance for Cardiovascular phenotype. Last evaluated: 2023-10-23. Review status: criteria provided, single submitter. Criteria: Ambry Variant Classification Scheme 2023. Collection method: clinical testing. Allele origin: germline.
Comment: The p.P234H variant (also known as c.701C>A), located in coding exon 7 of the APOB gene, results from a C to A substitution at nucleotide position 701. The proline at codon 234 is replaced by histidine, an amino acid with similar properties. This amino acid position is conserved. In addition, this alteration is predicted to be tolerated by in silico analysis. Since supporting evidence is limited at this time, the clinical significance of this alteration remains unclear.